The following is an entry in ClinVar:

NC_000001.10:g.(?_155629232)_(155658448_?)dup

Gene: YY1AP1 (YY1 associated protein 1; minus strand). Cytogenetic location: 1q22.
Variant type: Duplication.
Identifiers: ClinVar variation 4537074 (VCV004537074.1).

ClinVar aggregate classification (germline): Uncertain significance (1 of 4 stars; one submission).

Submission:

Women's Health and Genetics/Laboratory Corporation of America, LabCorp
Classification: Uncertain significance. Last evaluated: 2025-11-04. Review status: criteria provided, single submitter. Criteria: LabCorp Variant Classification Summary - May 2015. Collection method: clinical testing. Allele origin: germline.
Comment: Variant summary: The variant involves the duplication of exons 1-10 in the YY1AP1 gene. A presumed nomenclature of c.(?_-193)_(*216_?)dup has been designated for the purposes of this classification. This duplication includes the entire coding sequence of the gene. As exact breakpoints are unknown, it may extend beyond the annotated region of the gene, to include other flanking genes. A larger duplication that encompasses this gene was found at a frequency of 4.6e-05 in 21516 control chromosomes. The available data on variant occurrences in the general population are insufficient to allow any conclusion about variant significance. To our knowledge, no occurrence of c.(?_-193)_(*216_?)dup in individuals affected with YY1AP1-related conditions and no experimental evidence demonstrating its impact on protein function have been reported. No submitters have cited clinical-significance assessments for this variant to ClinVar. Based on the evidence outlined above, the variant was classified as uncertain significance.